The following is an entry in ClinVar:

ClinVar aggregate classification (germline): Uncertain significance (1 of 4 stars; one submission).

Conditions:
Emery-Dreifuss muscular dystrophy 4, autosomal dominant (EDMD4). Also called: EMERY-DREIFUSS MUSCULAR DYSTROPHY 4 WITH VARIABLE FEATURES. Identifiers: Orphanet 261, MedGen C2751807, MONDO:0013071, OMIM 612998.
Autosomal recessive ataxia, Beauce type. Also called: SYNE1-Related Autosomal Recessive Cerebellar Ataxia; Spinocerebellar ataxia, autosomal recessive 8; ATAXIA, RECESSIVE, OF BEAUCE; SYNE1 Deficiency. Identifiers: Orphanet 88644, MedGen C1853116, MONDO:0012549, OMIM 610743.

Allele frequency attached by ClinVar (database versions not stated): gnomAD 0.00001; gnomAD exomes 0.00001.
gnomAD v4.1: 3 of 1,614,108 alleles (0.00019%); highest among the groups gnomAD compares: East Asian, 0.0067%; no homozygotes.

Submission:

Labcorp Genetics (formerly Invitae), Labcorp
Classification: Uncertain significance for Emery-Dreifuss muscular dystrophy 4, autosomal dominant; Autosomal recessive ataxia, Beauce type. Last evaluated: 2021-03-12. Review status: criteria provided, single submitter. Criteria: Invitae Variant Classification Sherloc (09022015). Collection method: clinical testing. Allele origin: germline.
Comment: In summary, the available evidence is currently insufficient to determine the role of this variant in disease. Therefore, it has been classified as a Variant of Uncertain Significance. Algorithms developed to predict the effect of sequence changes on RNA splicing suggest that this variant may create or strengthen a splice site, but this prediction has not been confirmed by published transcriptional studies. Algorithms developed to predict the effect of missense changes on protein structure and function are either unavailable or do not agree on the potential impact of this missense change (SIFT: "Deleterious"; PolyPhen-2: "Benign"; Align-GVGD: "Class C35"). This variant has not been reported in the literature in individuals with SYNE1-related conditions. This variant is not present in population databases (ExAC no frequency). This sequence change replaces methionine with lysine at codon 3415 of the SYNE1 protein (p.Met3415Lys). The methionine residue is weakly conserved and there is a moderate physicochemical difference between methionine and lysine.

NM_182961.4(SYNE1):c.10223T>A (p.Met3408Lys)

Gene: SYNE1 (spectrin repeat containing nuclear envelope protein 1; minus strand). Cytogenetic location: 6q25.2.
Variant type: single nucleotide variant.
Coding change: c.10223T>A on transcript NM_182961.4 (MANE Select); coding-DNA position 10223, T replaced by A.
Protein change: p.Met3408Lys; replaces methionine 3408 with lysine.
Molecular consequence: missense variant.
Genome position (GRCh38, 1-based): chr6:152,362,246, A>T on the plus strand (T>A on the coding strand, the complement: SYNE1 is on the minus strand). VCF-style: chr6-152362246-A-T. GRCh37 (hg19) VCF-style: chr6-152683381-A-T.
Other names: c.10244T>A, p.Met3415Lys (NM_033071.5); short protein forms M3408K, M3415K.
Identifiers: ClinVar variation 1409568 (VCV001409568.8), dbSNP rs1212823311, ClinGen allele CA366130458.
Genomic context (GRCh38, chr6:152,362,246, plus strand): 5'-ATCGTTGTTTTATCCCGCAGCTCCGCATGCTGCCTTTCTGATTCATTCAGGTTGGCTTCC[A>T]TACTATCCATCCAACCGGAGAACTGTCGAACGCCATCCTGATAACTTGTCCACTTGGAGA-3'
Protein context (NP_892006.3, residues 3398-3418): VRQFSGWMDS[Met3408Lys]EANLNESERQ